The following is an entry in ClinVar:

NM_015662.3(IFT172):c.1691G>A (p.Arg564Lys)

Gene: IFT172 (intraflagellar transport 172; minus strand). Cytogenetic location: 2p23.3.
Variant type: single nucleotide variant.
Coding change: c.1691G>A on transcript NM_015662.3 (MANE Select); coding-DNA position 1691, G replaced by A.
Protein change: p.Arg564Lys; replaces arginine 564 with lysine.
Molecular consequence: missense variant.
Genome position (GRCh38, 1-based): chr2:27,470,929, C>T on the plus strand (G>A on the coding strand, the complement: IFT172 is on the minus strand). VCF-style: chr2-27470929-C-T. GRCh37 (hg19) VCF-style: chr2-27693796-C-T.
Other names: c.1691G>A (NM_015662.1); short protein forms R564K.
Identifiers: ClinVar variation 837256 (VCV000837256.14), dbSNP rs148710037, ClinGen allele CA1580569.
Genomic context (GRCh38, chr2:27,470,929, plus strand): 5'-TCATGGCTCTAATTAATCAGCTCAATACCACATCTGAGGGCCCCTAGTGTCCAACATACC[C>T]TAATAGTGAACATGGTGACTCTCTCAGGTGCCTCAATGTTGTACCATACACACAGACTGT-3'
Protein context (NP_056477.1, residues 554-574): APERVTMFTI[Arg564Lys]GDVIGLERGG

ClinVar aggregate classification (germline): Conflicting classifications of pathogenicity. Review status: criteria provided, conflicting classifications (1 of 4 stars). 6 submissions from 6 submitters: Uncertain significance (4); Likely benign (1). 1 of the submissions does not count toward it. Last evaluated 2026-05-07.

Conditions:
IFT172-related disorder. Also called: IFT172-related condition; IFT172-related disorders.
Inborn genetic diseases. Identifiers: MedGen C0950123, MeSH D030342.
Bardet-Biedl syndrome 20. Identifiers: MedGen C4310707, MONDO:0023670, OMIM 619471, MONDO:0014926.
Retinitis pigmentosa 71 (RP71). Identifiers: Orphanet 791, MedGen C4225342, MONDO:0014618, OMIM 616394.
Short-rib thoracic dysplasia 10 with or without polydactyly (SRTD10). Identifiers: Orphanet 474, MedGen C3810175, MONDO:0014284, OMIM 615630.

Allele frequency attached by ClinVar (database versions not stated): 1000 Genomes Project 30x 0.00109; 1000 Genomes Project 0.00140; gnomAD exomes 0.00003 and 0.00004; ExAC 0.00005; TOPMed 0.00012.
gnomAD v4.1: 69 of 1,601,448 alleles (0.0043%); highest among the groups gnomAD compares: African/African-American, 0.075%; 1 homozygote.

Submissions (6):

PreventionGenetics, part of Exact Sciences
Classification: Uncertain significance for IFT172-related condition. Last evaluated: 2026-05-07. Review status: criteria provided, single submitter. Criteria: ACMG Guidelines, 2015. Collection method: clinical testing. Allele origin: germline.
Comment: The IFT172 c.1691G>A variant is predicted to result in the amino acid substitution p.Arg564Lys. To our knowledge, this variant has not been reported in the literature. This variant is reported in 0.032% of alleles in individuals of African descent in gnomAD. At this time, the clinical significance of this variant is uncertain due to the absence of conclusive functional and genetic evidence.

Ambry Genetics
Classification: Uncertain significance for Inborn genetic diseases. Last evaluated: 2025-08-02. Review status: criteria provided, single submitter. Criteria: Ambry Variant Classification Scheme 2023. Collection method: clinical testing. Allele origin: germline.

Blueprint Genetics
Classification: Likely benign. Last evaluated: 2024-11-11. Review status: criteria provided, single submitter. Criteria: ACMG Guidelines, 2015. Collection method: clinical testing. Allele origin: germline.

Fulgent Genetics
Classification: Uncertain significance for Short-rib thoracic dysplasia 10 with or without polydactyly; Retinitis pigmentosa 71; Bardet-Biedl syndrome 20. Last evaluated: 2024-01-15. Review status: criteria provided, single submitter. Criteria: ACMG Guidelines, 2015. Collection method: clinical testing. Allele origin: germline.

Labcorp Genetics (formerly Invitae), Labcorp
Classification: Uncertain significance for Retinitis pigmentosa 71; Short-rib thoracic dysplasia 10 with or without polydactyly. Last evaluated: 2024-01-02. Review status: criteria provided, single submitter. Criteria: Invitae Variant Classification Sherloc (09022015). Collection method: clinical testing. Allele origin: germline.
Comment: This sequence change replaces arginine, which is basic and polar, with lysine, which is basic and polar, at codon 564 of the IFT172 protein (p.Arg564Lys). This variant is present in population databases (rs148710037, gnomAD 0.03%). This variant has not been reported in the literature in individuals affected with IFT172-related conditions. ClinVar contains an entry for this variant (Variation ID: 837256). Algorithms developed to predict the effect of missense changes on protein structure and function output the following: SIFT: "Not Available"; PolyPhen-2: "Benign"; Align-GVGD: "Not Available". The lysine amino acid residue is found in multiple mammalian species, which suggests that this missense change does not adversely affect protein function. In summary, the available evidence is currently insufficient to determine the role of this variant in disease. Therefore, it has been classified as a Variant of Uncertain Significance.

Genetic Services Laboratory, University of Chicago
Classification: Uncertain significance. Last evaluated: 2022-05-10. Review status: no assertion criteria provided. Collection method: clinical testing. Allele origin: germline. Affected: no. Not counted in ClinVar's aggregate classification.
Comment: DNA sequence analysis of the IFT172 gene demonstrated a sequence change, c.1691G>A, in exon 16 that results in an amino acid change, p.Arg564Lys. This sequence change has been described in the gnomAD database with a frequency of 0.032% in the African/African American subpopulation (dbSNP rs148710037). The p.Arg564Lys change affects a moderately conserved amino acid residue located in a domain of the IFT172 protein that is not known to be functional. The p.Arg564Lys substitution appears to be benign using several in-silico missense pathogenicity prediction tools (SIFT, PolyPhen2, Align GVGD, REVEL). In-silico splice prediction programs provide inconclusive results for this sequence change. This sequence change does not appear to have been previously described in individuals with IFT172-related disorders. Due to insufficient evidences and the lack of functional studies, the clinical significance of the p.Arg564Lys change remains unknown at this time.